The following is an entry in ClinVar:

ClinVar aggregate classification (germline): Uncertain significance (1 of 4 stars; one submission).

Conditions:
Cardiovascular phenotype. Identifiers: MedGen CN230736.

Allele frequency attached by ClinVar (database versions not stated): TOPMed below 0.00001.

Submission:

Ambry Genetics
Classification: Uncertain significance for Cardiovascular phenotype. Last evaluated: 2020-03-17. Review status: criteria provided, single submitter. Criteria: Ambry Variant Classification Scheme 2023. Collection method: clinical testing. Allele origin: germline.
Comment: The p.G8879D variant (also known as c.26636G>A), located in coding exon 106 of the TTN gene, results from a G to A substitution at nucleotide position 26636. The glycine at codon 8879 is replaced by aspartic acid, an amino acid with similar properties. This amino acid position is highly conserved in available vertebrate species. In addition, the in silico prediction for this alteration is inconclusive. Since supporting evidence is limited at this time, the clinical significance of this alteration remains unclear.

NM_001267550.2(TTN):c.53831G>A (p.Gly17944Asp)

Genes: TTN (titin; minus strand), TTN-AS1 (TTN antisense RNA 1; plus strand). Cytogenetic location: 2q31.2.
Variant type: single nucleotide variant.
Coding change: c.53831G>A on transcript NM_001267550.2 (MANE Select); coding-DNA position 53831, G replaced by A.
Protein change: p.Gly17944Asp; replaces glycine 17944 with aspartic acid.
Molecular consequence: missense variant.
Genome position (GRCh38, 1-based): chr2:178,605,464, C>T on the plus strand (G>A on the coding strand, the complement: TTN is on the minus strand). VCF-style: chr2-178605464-C-T. GRCh37 (hg19) VCF-style: chr2-179470191-C-T.
Other names: c.48908G>A, p.Gly16303Asp (NM_001256850.1); c.26636G>A, p.Gly8879Asp (NM_003319.4); c.46127G>A, p.Gly15376Asp (NM_133378.4); c.27011G>A, p.Gly9004Asp (NM_133432.3); c.27212G>A, p.Gly9071Asp (NM_133437.4); short protein forms G16303D, G8879D, G9004D, G15376D, G9071D, G17944D.
Identifiers: ClinVar variation 1794471 (VCV001794471.2), dbSNP rs1452220035, ClinGen allele CA349560411.
Genomic context (GRCh38, chr2:178,605,464, plus strand): 5'-GATTCCGCACCTTCATCATCTTGTATGACTACATTAAGAGGTAGGGATGGTTCACTTTCA[C>T]CAATTTCATTGACAGCTTTGACACGGAACTCATACATTTGGTGTTCATCAAGATTTTCAA-3'
Protein context (NP_001254479.2, residues 17934-17954): EFRVKAVNEI[Gly17944Asp]ESEPSLPLNV